The following is an entry in ClinVar:

NM_020975.6(RET):c.1312G>T (p.Val438Phe)

Gene: RET (ret proto-oncogene; plus strand). Cytogenetic location: 10q11.21.
Variant type: single nucleotide variant.
Coding change: c.1312G>T on transcript NM_020975.6 (MANE Select); coding-DNA position 1312, G replaced by T.
Protein change: p.Val438Phe; replaces valine 438 with phenylalanine.
Molecular consequence: missense variant. On other transcripts: intron variant (15).
Genome position (GRCh38, 1-based): chr10:43,111,255, G>T. VCF-style: chr10-43111255-G-T. GRCh37 (hg19) VCF-style: chr10-43606703-G-T.
Other names: c.550G>T, p.Val184Phe (NM_001355216.2); c.1312G>T, p.Val438Phe (NM_001406743.1, NM_001406744.1, NM_001406759.1 and 4 more transcripts); c.1183G>T, p.Val395Phe (NM_001406761.1, NM_001406762.1, NM_001406764.1 and 1 more transcripts); c.586G>T, p.Val196Phe (NM_001406775.1, NM_001406776.1, NM_001406777.1 and 1 more transcripts); c.322G>T, p.Val108Phe (NM_001406784.1); c.74-844G>T (NM_001406793.1, NM_001406794.1, NM_001406792.1); c.1024G>T, p.Val342Phe (NM_001406766.1, NM_001406767.1, NM_001406770.1); c.916G>T, p.Val306Phe (NM_001406769.1, NM_001406772.1); and 5 more; short protein forms V108F, V184F, V196F, V263F, V292F, V306F, V342F, V395F.
Identifiers: ClinVar variation 3628782 (VCV003628782.2).

ClinVar aggregate classification (germline): Uncertain significance (1 of 4 stars; one submission).

Conditions:
Multiple endocrine neoplasia, type 2 (MEN2). Identifiers: Orphanet 653, MedGen C4048306, MONDO:0019003. Disease mechanism: gain of function.

Submission:

Labcorp Genetics (formerly Invitae), Labcorp
Classification: Uncertain significance for Multiple endocrine neoplasia, type 2. Last evaluated: 2024-09-09. Review status: criteria provided, single submitter. Criteria: Invitae Variant Classification Sherloc (09022015). Collection method: clinical testing. Allele origin: germline.
Comment: This sequence change replaces valine, which is neutral and non-polar, with phenylalanine, which is neutral and non-polar, at codon 438 of the RET protein (p.Val438Phe). This variant is not present in population databases (gnomAD no frequency). This variant has not been reported in the literature in individuals affected with RET-related conditions. An algorithm developed to predict the effect of missense changes on protein structure and function (PolyPhen-2) suggests that this variant is likely to be tolerated. In summary, the available evidence is currently insufficient to determine the role of this variant in disease. Therefore, it has been classified as a Variant of Uncertain Significance.